The following is an entry in ClinVar:

ClinVar aggregate classification (germline): Uncertain significance (1 of 4 stars; one submission).

Submission:

Labcorp Genetics (formerly Invitae), Labcorp
Classification: Uncertain significance. Last evaluated: 2022-02-17. Review status: criteria provided, single submitter. Criteria: Invitae Variant Classification Sherloc (09022015). Collection method: clinical testing. Allele origin: germline.
Comment: In summary, the available evidence is currently insufficient to determine the role of this variant in disease. Therefore, it has been classified as a Variant of Uncertain Significance. Algorithms developed to predict the effect of sequence changes on RNA splicing suggest that this variant may disrupt the consensus splice site. This variant has not been reported in the literature in individuals affected with SI-related conditions. This variant is not present in population databases (gnomAD no frequency). This sequence change falls in intron 7 of the SI gene. It does not directly change the encoded amino acid sequence of the SI protein.

NM_001041.4(SI):c.808-16A>G

Gene: SI (sucrase-isomaltase; minus strand). Cytogenetic location: 3q26.1.
Variant type: single nucleotide variant.
Coding change: c.808-16A>G on transcript NM_001041.4 (MANE Select); 16 bases into the intron before coding-DNA position 808, A replaced by G.
Molecular consequence: intron variant.
Genome position (GRCh38, 1-based): chr3:165,063,557, T>C on the plus strand (A>G on the coding strand, the complement: SI is on the minus strand). VCF-style: chr3-165063557-T-C. GRCh37 (hg19) VCF-style: chr3-164781345-T-C.
Identifiers: ClinVar variation 2050705 (VCV002050705.4), dbSNP rs2473422424, ClinGen allele CA2580069032.